The following is an entry in ClinVar:

NM_005445.4(SMC3):c.1127A>C (p.Tyr376Ser)

Gene: SMC3 (structural maintenance of chromosomes 3; plus strand). Cytogenetic location: 10q25.2.
Variant type: single nucleotide variant.
Coding change: c.1127A>C on transcript NM_005445.4 (MANE Select); coding-DNA position 1127, A replaced by C.
Protein change: p.Tyr376Ser; replaces tyrosine 376 with serine.
Molecular consequence: missense variant.
Genome position (GRCh38, 1-based): chr10:110,584,218, A>C. VCF-style: chr10-110584218-A-C. GRCh37 (hg19) VCF-style: chr10-112343976-A-C.
Other names: short protein forms Y376S.
Identifiers: ClinVar variation 1997640 (VCV001997640.4), dbSNP rs2493117603, ClinGen allele CA378383022.
Genomic context (GRCh38, chr10:110,584,218, plus strand): 5'-TCCCATTTGCTTCTATTTTGTGTAGATTGGCTCAAGCTACCCAGGAAAGAACGGATCTTT[A>C]TGCAAAGCAGGGTCGAGGAAGCCAGTTTACATCAAAAGAAGAAAGGGATAAGTGGATTAA-3'
Protein context (NP_005436.1, residues 366-386): AQATQERTDL[Tyr376Ser]AKQGRGSQFT

ClinVar aggregate classification (germline): Likely pathogenic (1 of 4 stars; one submission).

Conditions:
Cornelia de Lange syndrome 3 (CDLS3). Also called: SMC3-Related Cornelia de Lange Syndrome; CORNELIA DE LANGE SYNDROME 3 WITH OR WITHOUT MIDLINE BRAIN DEFECTS. Identifiers: Orphanet 199, MedGen C1853099, MONDO:0012555, OMIM 610759.

Submission:

Labcorp Genetics (formerly Invitae), Labcorp
Classification: Likely pathogenic for Cornelia de Lange syndrome 3. Last evaluated: 2022-09-02. Review status: criteria provided, single submitter. Criteria: Invitae Variant Classification Sherloc (09022015). Collection method: clinical testing. Allele origin: germline.
Comment: In summary, the currently available evidence indicates that the variant is pathogenic, but additional data are needed to prove that conclusively. Therefore, this variant has been classified as Likely Pathogenic. Algorithms developed to predict the effect of missense changes on protein structure and function are either unavailable or do not agree on the potential impact of this missense change (SIFT: "Tolerated"; PolyPhen-2: "Possibly Damaging"; Align-GVGD: "Class C0"). This missense change has been observed in individual(s) with clinical features of SMC3-related conditions (Invitae). In at least one individual the variant was observed to be de novo. This variant is not present in population databases (gnomAD no frequency). This sequence change replaces tyrosine, which is neutral and polar, with serine, which is neutral and polar, at codon 376 of the SMC3 protein (p.Tyr376Ser).